The following is an entry in ClinVar:

ClinVar aggregate classification (germline): Uncertain significance (1 of 4 stars; one submission).

Submission:

Ambry Genetics
Classification: Uncertain significance. Last evaluated: 2026-08-16. Review status: criteria provided, single submitter. Criteria: Ambry Variant Classification Scheme 2023. Collection method: clinical testing. Allele origin: germline.
Comment: The p.K203T variant (also known as c.608A>C), located in coding exon 1 of the MLH3 gene, results from an A to C substitution at nucleotide position 608. The lysine at codon 203 is replaced by threonine, an amino acid with similar properties. This amino acid position is conserved. In addition, the in silico prediction for this alteration is inconclusive. Based on the available evidence, the clinical significance of this variant remains unclear.

NM_001040108.2(MLH3):c.608A>C (p.Lys203Thr)

Gene: MLH3 (mutL homolog 3; minus strand). Cytogenetic location: 14q24.3.
Variant type: single nucleotide variant.
Coding change: c.608A>C on transcript NM_001040108.2 (MANE Select); coding-DNA position 608, A replaced by C.
Protein change: p.Lys203Thr; replaces lysine 203 with threonine.
Molecular consequence: missense variant.
Genome position (GRCh38, 1-based): chr14:75,049,048, T>G on the plus strand (A>C on the coding strand, the complement: MLH3 is on the minus strand). VCF-style: chr14-75049048-T-G. GRCh37 (hg19) VCF-style: chr14-75515751-T-G.
Other names: c.608A>C, p.Lys203Thr (NM_014381.3); short protein forms K203T.
Identifiers: ClinVar variation 5024630 (VCV005024630.1).